The following is an entry in ClinVar:

ClinVar aggregate classification (germline): Benign/Likely benign. Review status: criteria provided, multiple submitters, no conflicts (2 of 4 stars). 3 submissions from 3 submitters: Benign (1); Likely benign (2). Last evaluated 2025-03-30.

Conditions:
Hereditary cancer-predisposing syndrome. Also called: Hereditary neoplastic syndrome; Neoplastic Syndromes, Hereditary; Hereditary Cancer Syndrome; Tumor predisposition. Identifiers: Orphanet 140162, MedGen C0027672, MeSH D009386, MONDO:0015356.
Lynch syndrome 5 (LYNCH5). Also called: Hereditary non-polyposis colorectal cancer, type 5; Colorectal cancer, hereditary nonpolyposis, type 5. Identifiers: Orphanet 144, MedGen C1833477, MONDO:0013710, OMIM 614350. Disease mechanism: loss of function.
Hereditary nonpolyposis colorectal neoplasms. Identifiers: MedGen C0009405, MeSH D003123.

gnomAD v4.1: 4 of 1,612,362 alleles (0.00025%); highest among the groups gnomAD compares: South Asian, 0.0033%; 1 homozygote.

Submissions (3):

Labcorp Genetics (formerly Invitae), Labcorp
Classification: Likely benign for Hereditary nonpolyposis colorectal neoplasms. Last evaluated: 2025-03-30. Review status: criteria provided, single submitter. Criteria: Invitae Variant Classification Sherloc (09022015). Collection method: clinical testing. Allele origin: germline.

Ambry Genetics
Classification: Likely benign for Hereditary cancer-predisposing syndrome. Last evaluated: 2025-02-03. Review status: criteria provided, single submitter. Criteria: Ambry Variant Classification Scheme 2023. Collection method: clinical testing. Allele origin: germline.

Myriad Genetics, Inc.
Classification: Benign for Lynch syndrome 5. Last evaluated: 2025-01-09. Review status: criteria provided, single submitter. Criteria: Myriad Autosomal Dominant, Autosomal Recessive and X-Linked Classification Criteria (2023). Collection method: clinical testing. Allele origin: unknown.
Comment: This variant is considered benign. This variant is a silent/synonymous amino acid change and it is not expected to impact splicing.

NM_000179.3(MSH6):c.4056A>G (p.Lys1352=)

Gene: MSH6 (mutS homolog 6; plus strand). Cytogenetic location: 2p16.3.
Variant type: single nucleotide variant.
Coding change: c.4056A>G on transcript NM_000179.3 (MANE Select); coding-DNA position 4056, A replaced by G.
Protein change: p.Lys1352=; no amino-acid change (lysine 1352 retained).
Molecular consequence: synonymous variant. On other transcripts: 3 prime UTR variant (5), non-coding transcript variant (5).
Genome position (GRCh38, 1-based): chr2:47,806,833, A>G. VCF-style: chr2-47806833-A-G. GRCh37 (hg19) VCF-style: chr2-48033972-A-G.
Other names: c.3666A>G, p.Lys1222= (NM_001281492.2); c.3150A>G, p.Lys1050= (NM_001281493.2, NM_001281494.2, NM_001406811.1 and 6 more transcripts); c.4152A>G, p.Lys1384= (NM_001406795.1); c.4056A>G, p.Lys1352= (NM_001406796.1, NM_001406809.1); c.3759A>G, p.Lys1253= (NM_001406797.1, NM_001406805.1, NM_001406818.1 and 8 more transcripts); c.3882A>G, p.Lys1294= (NM_001406798.1); c.3531A>G, p.Lys1177= (NM_001406799.1, NM_001406806.1, NM_001406807.1); c.*77A>G (NM_001406800.1); and 9 more.
Identifiers: ClinVar variation 3715218 (VCV003715218.4).